The following is an entry in ClinVar:

ClinVar aggregate classification (germline): Uncertain significance. Review status: criteria provided, multiple submitters, no conflicts (2 of 4 stars). 3 submissions from 3 submitters: Uncertain significance (3). Last evaluated 2022-07-06.

Conditions:
Gnathodiaphyseal dysplasia (GDD). Also called: GNATHODIAPHYSEAL SCLEROSIS; OSTEOGENESIS IMPERFECTA WITH UNUSUAL SKELETAL LESIONS. Identifiers: Orphanet 53697, MedGen C1833736, MONDO:0008151, OMIM 166260.
Autosomal recessive limb-girdle muscular dystrophy type 2L (LGMDR12). Also called: MUSCULAR DYSTROPHY, LIMB-GIRDLE, AUTOSOMAL RECESSIVE 12; Limb-girdle muscular dystrophy, type 2L; Limb-Girdle Muscular Dystrophy R12 Anoctamin-5-Related (LGMD-R12). Identifiers: Orphanet 206549, MedGen C1969785, MONDO:0012652, OMIM 611307.

Allele frequency attached by ClinVar (database versions not stated): gnomAD 0.00001.

Submissions (3):

Labcorp Genetics (formerly Invitae), Labcorp
Classification: Uncertain significance for Autosomal recessive limb-girdle muscular dystrophy type 2L; Gnathodiaphyseal dysplasia. Last evaluated: 2022-07-06. Review status: criteria provided, single submitter. Criteria: Invitae Variant Classification Sherloc (09022015). Collection method: clinical testing. Allele origin: germline.
Comment: In summary, the available evidence is currently insufficient to determine the role of this variant in disease. Therefore, it has been classified as a Variant of Uncertain Significance. Variants that disrupt the consensus splice site are a relatively common cause of aberrant splicing (PMID: 17576681, 9536098). Algorithms developed to predict the effect of sequence changes on RNA splicing suggest that this variant may disrupt the consensus splice site. ClinVar contains an entry for this variant (Variation ID: 421648). This variant has not been reported in the literature in individuals affected with ANO5-related conditions. This variant is present in population databases (no rsID available, gnomAD 0.007%). This sequence change falls in intron 15 of the ANO5 gene. It does not directly change the encoded amino acid sequence of the ANO5 protein. It affects a nucleotide within the consensus splice site.

GeneDx
Classification: Uncertain significance. Last evaluated: 2016-07-19. Review status: criteria provided, single submitter. Criteria: GeneDx Variant Classification (06012015). Collection method: clinical testing. Allele origin: germline. Affected: yes.
Comment: The c.1630+5delG variant in the ANO5 gene has not been reported previously as a pathogenic variant nor as a benign variant, to our knowledge. This variant results in the deletion of a single base pair within intron 15, which reduces the quality of the splice donor site and is expected to cause abnormal gene splicing. The c.1630+5delG variant was not observed in approximately 6500 individuals of European and African American ancestry in the NHLBI Exome Sequencing Project, indicating it is not a common benign variant in these populations. We interpret c.1630+5delG as a variant of uncertain significance.

Breakthrough Genomics
Classification: Uncertain significance. Review status: criteria provided, single submitter. Criteria: ACMG Guidelines, 2015. Collection method: not provided. Allele origin: germline. Inheritance: Autosomal recessive inheritance. Affected: yes.

Literature cited by the submitters: PubMed 17576681 (cited by Labcorp Genetics (formerly Invitae), Labcorp); PubMed 9536098 (cited by Labcorp Genetics (formerly Invitae), Labcorp).

NM_213599.3(ANO5):c.1630+5del

Gene: ANO5 (anoctamin 5; plus strand). Cytogenetic location: 11p14.3.
Variant type: Deletion.
Coding change: c.1630+5del on transcript NM_213599.3 (MANE Select); 5 bases into the intron after coding-DNA position 1630, one base deleted (G; older notation c.1630+5delG).
Molecular consequence: intron variant.
Genome position (GRCh38, 1-based): chr11:22,259,746, G deleted. VCF-style (leftmost placement, unchanged base first): chr11-22259745-AG-A. GRCh37 (hg19) VCF-style: chr11-22281291-AG-A.
Other names: c.1630+5delG (NM_213599.2); c.1627+5del (NM_001142649.2).
Identifiers: ClinVar variation 421648 (VCV000421648.11), dbSNP rs1064795273, ClinGen allele CA16619302.